The following is an entry in ClinVar:

NM_004360.5(CDH1):c.2243C>G (p.Thr748Ser)

Gene: CDH1 (cadherin 1; plus strand). Cytogenetic location: 16q22.1.
Variant type: single nucleotide variant.
Coding change: c.2243C>G on transcript NM_004360.5 (MANE Select); coding-DNA position 2243, C replaced by G.
Protein change: p.Thr748Ser; replaces threonine 748 with serine.
Molecular consequence: missense variant.
Genome position (GRCh38, 1-based): chr16:68,828,252, C>G. VCF-style: chr16-68828252-C-G. GRCh37 (hg19) VCF-style: chr16-68862155-C-G.
Other names: c.2243C>G (LRG_301t1); c.2060C>G, p.Thr687Ser (NM_001317184.2); c.695C>G, p.Thr232Ser (NM_001317185.2); c.278C>G, p.Thr93Ser (NM_001317186.2); short protein forms T748S, T232S, T93S, T687S.
Identifiers: ClinVar variation 463753 (VCV000463753.14), dbSNP rs1555517660, ClinGen allele CA396469798.
Genomic context (GRCh38, chr16:68,828,252, plus strand): 5'-TGCTGTTTCTTCGGAGGAGAGCGGTGGTCAAAGAGCCCTTACTGCCCCCAGAGGATGACA[C>G]CCGGGACAACGTTTATTACTATGATGAAGAAGGAGGCGGAGAAGAGGACCAGGTGGGTTT-3'
Protein context (NP_004351.1, residues 738-758): KEPLLPPEDD[Thr748Ser]RDNVYYYDEE

ClinVar aggregate classification (germline): Uncertain significance. Review status: criteria provided, multiple submitters, no conflicts (2 of 4 stars). 3 submissions from 3 submitters: Uncertain significance (3). Last evaluated 2025-06-18.

Conditions:
Hereditary cancer-predisposing syndrome. Also called: Hereditary neoplastic syndrome; Neoplastic Syndromes, Hereditary; Tumor predisposition; Hereditary Cancer Syndrome. Identifiers: Orphanet 140162, MedGen C0027672, MeSH D009386, MONDO:0015356.
Hereditary diffuse gastric adenocarcinoma (HDGC). Also called: DIFFUSE GASTRIC AND LOBULAR BREAST CANCER SYNDROME. Identifiers: Orphanet 26106, MedGen C1708349, MONDO:0007648, OMIM 137215.

Allele frequency attached by ClinVar (database versions not stated): gnomAD exomes below 0.00001.
gnomAD v4.1: 1 of 1,614,086 alleles (0.000062%); highest among the groups gnomAD compares: Non-Finnish European, 0.000085%; no homozygotes.

Submissions (3):

Ambry Genetics
Classification: Uncertain significance for Hereditary cancer-predisposing syndrome. Last evaluated: 2025-06-18. Review status: criteria provided, single submitter. Criteria: Ambry Variant Classification Scheme 2023. Collection method: clinical testing. Allele origin: germline.
Comment: The p.T748S variant (also known as c.2243C>G), located in coding exon 14 of the CDH1 gene, results from a C to G substitution at nucleotide position 2243. The threonine at codon 748 is replaced by serine, an amino acid with similar properties. This amino acid position is not well conserved in available vertebrate species. In addition, this alteration is predicted to be tolerated by in silico analysis. Based on the available evidence, the clinical significance of this variant remains unclear.

Labcorp Genetics (formerly Invitae), Labcorp
Classification: Uncertain significance for Hereditary diffuse gastric adenocarcinoma. Last evaluated: 2018-10-31. Review status: criteria provided, single submitter. Criteria: Invitae Variant Classification Sherloc (09022015). Collection method: clinical testing. Allele origin: germline.
Comment: In summary, the available evidence is currently insufficient to determine the role of this variant in disease. Therefore, it has been classified as a Variant of Uncertain Significance. Algorithms developed to predict the effect of missense changes on protein structure and function are either unavailable or do not agree on the potential impact of this missense change (SIFT: "Tolerated"; PolyPhen-2: "Possibly Damaging"; Align-GVGD: "Class C0"). This variant has not been reported in the literature in individuals with CDH1-related disease. ClinVar contains an entry for this variant (Variation ID: 463753). This variant is not present in population databases (ExAC no frequency). This sequence change replaces threonine with serine at codon 748 of the CDH1 protein (p.Thr748Ser). The threonine residue is highly conserved and there is a small physicochemical difference between threonine and serine.

Women's Health and Genetics/Laboratory Corporation of America, LabCorp
Classification: Uncertain significance. Last evaluated: 2018-09-14. Review status: criteria provided, single submitter. Criteria: LabCorp Variant Classification Summary - May 2015. Collection method: clinical testing. Allele origin: germline.
Comment: Variant summary: CDH1 c.2243C>G (p.Thr748Ser) results in a conservative amino acid change located in the Cadherin, cytoplasmic domain of the encoded protein sequence. Three of five in-silico tools predict a benign effect of the variant on protein function. The variant was absent in 246246 control chromosomes (gnomAD). The available data on variant occurrences in the general population are insufficient to allow any conclusion about variant significance. To our knowledge, no occurrence of c.2243C>G in individuals affected with Hereditary Diffuse Gastric Cancer and no experimental evidence demonstrating its impact on protein function have been reported. A ClinVar submission from a clinical diagnostic laboratory (evaluation after 2014) cite the variant as uncertain significance. Based on the evidence outlined above, the variant was classified as uncertain significance.